The following is an entry in ClinVar:

NM_000219.6(KCNE1):c.305G>C (p.Ser102Thr)

Gene: KCNE1 (potassium voltage-gated channel subfamily E regulatory subunit 1; minus strand). Cytogenetic location: 21q22.12.
Variant type: single nucleotide variant.
Coding change: c.305G>C on transcript NM_000219.6 (MANE Select); coding-DNA position 305, G replaced by C.
Protein change: p.Ser102Thr; replaces serine 102 with threonine.
Molecular consequence: missense variant.
Genome position (GRCh38, 1-based): chr21:34,449,330, C>G on the plus strand (G>C on the coding strand, the complement: KCNE1 is on the minus strand). VCF-style: chr21-34449330-C-G. GRCh37 (hg19) VCF-style: chr21-35821628-C-G.
Other names: c.305G>C, p.Ser102Thr (NM_001127668.4, NM_001127669.4, NM_001127670.4 and 4 more transcripts); short protein forms S102T.
Identifiers: ClinVar variation 3374587 (VCV003374587.2).

Conditions:
Long QT syndrome 5 (LQT5). Identifiers: Orphanet 101016, Orphanet 768, MedGen C1867904, MONDO:0013372, OMIM 613695.

Submission:

Roden Lab, Vanderbilt University Medical Center
No classification provided (evidence only). Condition: Long QT syndrome 5. Review status: no classification provided. Collection method: in vitro. Allele origin: not applicable. Functional consequence: Effect on ion channel function.
ClinVar note: "not provided" was previously submitted as the classification for the variant. However, the classification appeared to be based only on an observation of functional data so it was converted to no classification on 2025-07-30.